The following is an entry in ClinVar:

ClinVar aggregate classification (germline): Pathogenic (1 of 4 stars; one submission).

Conditions:
Hereditary cancer-predisposing syndrome. Also called: Neoplastic Syndromes, Hereditary; Tumor predisposition; Hereditary Cancer Syndrome; Hereditary neoplastic syndrome. Identifiers: Orphanet 140162, MedGen C0027672, MeSH D009386, MONDO:0015356.

Submission:

Ambry Genetics
Classification: Pathogenic for Hereditary cancer-predisposing syndrome. Last evaluated: 2020-09-03. Review status: criteria provided, single submitter. Criteria: Ambry Variant Classification Scheme 2023. Collection method: clinical testing. Allele origin: germline.
Comment: The c.160_161delCTinsG pathogenic mutation, located in coding exon 2 of the TSC2 gene, results from the deletion of two nucleotides and insertion of one nucleotide causing a translational frameshift with a predicted alternate stop codon (p.L54Afs*7). This alteration is expected to result in loss of function by premature protein truncation or nonsense-mediated mRNA decay. As such, this alteration is interpreted as a disease-causing mutation.

NM_000548.5(TSC2):c.160_161delinsG (p.Leu54fs)

Gene: TSC2 (TSC complex subunit 2; plus strand). Cytogenetic location: 16p13.3.
Variant type: Indel.
Coding change: c.160_161delinsG on transcript NM_000548.5 (MANE Select); coding-DNA positions 160 to 161, CT replaced by G.
Protein change: p.Leu54fs; shifts the reading frame from leucine 54.
Molecular consequence: frameshift variant. On other transcripts: 5 prime UTR variant (1).
Genome position (GRCh38, 1-based): chr16:2,050,421-2,050,422, CT replaced by G. VCF-style: chr16-2050421-CT-G. GRCh37 (hg19) VCF-style: chr16-2100422-CT-G.
Other names: c.13_14delCTinsG, p.Leu5Alafs (NM_001406679.1, NM_001406675.1, NM_001406676.1 and 1 more transcripts); c.-67_-66delCTinsG (NM_001406684.1, NM_001406685.1, NM_001406686.1 and 2 more transcripts); c.-657_-656delCTinsG (NM_001406687.1, NM_001406680.1, NM_001406683.1); c.-286_-285delCTinsG (NM_001406681.1); c.-1272_-1271delCTinsG (NM_001406689.1, NM_001406690.1, NM_001406691.1 and 2 more transcripts); c.160_161delinsG, p.Leu54fs (NM_001077183.3, NM_001114382.3, NM_001318827.2 and 4 more transcripts); c.13_14delinsG, p.Leu5fs (NM_001318829.2); c.-67_-66delinsG (NM_001318831.2); and 6 more; short protein forms L5fs, L65fs, L54fs.
Identifiers: ClinVar variation 1776164 (VCV001776164.2), dbSNP rs2548372234, ClinGen allele CA2580090577.